The following is an entry in ClinVar:

ClinVar aggregate classification (germline): Pathogenic (1 of 4 stars; one submission).

Conditions:
Primary ciliary dyskinesia. Also called: Ciliary dyskinesia. Identifiers: Orphanet 244, MedGen C0008780, MONDO:0016575, HP:0012265.

Submission:

Labcorp Genetics (formerly Invitae), Labcorp
Classification: Pathogenic for Primary ciliary dyskinesia. Last evaluated: 2024-04-17. Review status: criteria provided, single submitter. Criteria: Invitae Variant Classification Sherloc (09022015). Collection method: clinical testing. Allele origin: germline.
Comment: This sequence change creates a premature translational stop signal (p.Ala922Leufs*2) in the DNAH11 gene. It is expected to result in an absent or disrupted protein product. Loss-of-function variants in DNAH11 are known to be pathogenic (PMID: 18022865, 20513915, 22184204). This variant is not present in population databases (gnomAD no frequency). This variant has not been reported in the literature in individuals affected with DNAH11-related conditions. For these reasons, this variant has been classified as Pathogenic.

Literature cited by the submitters: PubMed 18022865; PubMed 20513915; PubMed 22184204.

NM_001277115.2(DNAH11):c.2764del (p.Ala922fs)

Gene: DNAH11 (dynein axonemal heavy chain 11; plus strand). Cytogenetic location: 7p15.3.
Variant type: Deletion.
Coding change: c.2764del on transcript NM_001277115.2 (MANE Select); coding-DNA position 2764, one base deleted (G; older notation c.2764delG).
Protein change: p.Ala922fs; shifts the reading frame from alanine 922.
Molecular consequence: frameshift variant.
Genome position (GRCh38, 1-based): chr7:21,599,883, G deleted; the last of 2 consecutive G bases (chr7:21,599,882-21,599,883); deleting either gives the same sequence. VCF-style (leftmost placement, unchanged base first): chr7-21599881-AG-A. GRCh37 (hg19) VCF-style: chr7-21639499-AG-A.
Other names: short protein forms A922fs.
Identifiers: ClinVar variation 3650303 (VCV003650303.2).